The following is an entry in ClinVar:

NM_001267550.2(TTN):c.102403A>G (p.Ile34135Val)

Genes: TTN (titin; minus strand), TTN-AS1 (TTN antisense RNA 1; plus strand). Cytogenetic location: 2q31.2.
Variant type: single nucleotide variant.
Coding change: c.102403A>G on transcript NM_001267550.2 (MANE Select); coding-DNA position 102403, A replaced by G.
Protein change: p.Ile34135Val; replaces isoleucine 34135 with valine.
Molecular consequence: missense variant.
Genome position (GRCh38, 1-based): chr2:178,534,212, T>C on the plus strand (A>G on the coding strand, the complement: TTN is on the minus strand). VCF-style: chr2-178534212-T-C. GRCh37 (hg19) VCF-style: chr2-179398939-T-C.
Other names: c.97480A>G, p.Ile32494Val (NM_001256850.1); c.75208A>G, p.Ile25070Val (NM_003319.4); c.94699A>G, p.Ile31567Val (NM_133378.4); c.75583A>G, p.Ile25195Val (NM_133432.3); c.75784A>G, p.Ile25262Val (NM_133437.4); short protein forms I31567V, I25070V, I25195V, I25262V, I32494V, I34135V.
Identifiers: ClinVar variation 2104381 (VCV002104381.4), dbSNP rs2468526295, ClinGen allele CA349417653.

ClinVar aggregate classification (germline): Uncertain significance (1 of 4 stars; one submission).

Conditions:
Dilated cardiomyopathy 1G (CMD1G). Identifiers: Orphanet 154, MedGen C1858763, MONDO:0011400, OMIM 604145.
Autosomal recessive limb-girdle muscular dystrophy type 2J (LGMDR10). Also called: Limb-girdle muscular dystrophy, type 2J; MUSCULAR DYSTROPHY, LIMB-GIRDLE, AUTOSOMAL RECESSIVE 10. Identifiers: Orphanet 140922, MedGen C1837342, MONDO:0012127, OMIM 608807.

Submission:

Labcorp Genetics (formerly Invitae), Labcorp
Classification: Uncertain significance for Dilated cardiomyopathy 1G; Autosomal recessive limb-girdle muscular dystrophy type 2J. Last evaluated: 2022-02-28. Review status: criteria provided, single submitter. Criteria: Invitae Variant Classification Sherloc (09022015). Collection method: clinical testing. Allele origin: germline.
Comment: In summary, the available evidence is currently insufficient to determine the role of this variant in disease. Therefore, it has been classified as a Variant of Uncertain Significance. Experimental studies and prediction algorithms are not available or were not evaluated, and the functional significance of this variant is currently unknown. This variant has not been reported in the literature in individuals affected with TTN-related conditions. This variant is not present in population databases (gnomAD no frequency). This sequence change replaces isoleucine, which is neutral and non-polar, with valine, which is neutral and non-polar, at codon 34135 of the TTN protein (p.Ile34135Val).